The following is an entry in ClinVar:

NM_003442.6(ZNF143):c.431A>T (p.Tyr144Phe)

Gene: ZNF143 (zinc finger protein 143; plus strand). Cytogenetic location: 11p15.4.
Variant type: single nucleotide variant.
Coding change: c.431A>T on transcript NM_003442.6 (MANE Select); coding-DNA position 431, A replaced by T.
Protein change: p.Tyr144Phe; replaces tyrosine 144 with phenylalanine.
Molecular consequence: missense variant.
Genome position (GRCh38, 1-based): chr11:9,478,447, A>T. VCF-style: chr11-9478447-A-T. GRCh37 (hg19) VCF-style: chr11-9499994-A-T.
Other names: c.428A>T, p.Tyr143Phe (NM_001282656.2); c.338A>T, p.Tyr113Phe (NM_001282657.2); short protein forms Y113F, Y144F, Y143F.
Identifiers: ClinVar variation 1481124 (VCV001481124.6), dbSNP rs150318995, ClinGen allele CA5879357.

ClinVar aggregate classification (germline): Uncertain significance (1 of 4 stars; one submission).

Allele frequency attached by ClinVar (database versions not stated): gnomAD exomes below 0.00001 and 0.00001; ExAC 0.00001; gnomAD 0.00002; TOPMed 0.00004; ESP Exome Variant Server 0.00015.
gnomAD v4.1: 11 of 1,614,070 alleles (0.00068%); highest among the groups gnomAD compares: African/African-American, 0.013%; no homozygotes.

Submission:

Labcorp Genetics (formerly Invitae), Labcorp
Classification: Uncertain significance. Last evaluated: 2024-01-09. Review status: criteria provided, single submitter. Criteria: Invitae Variant Classification Sherloc (09022015). Collection method: clinical testing. Allele origin: germline.
Comment: This sequence change replaces tyrosine, which is neutral and polar, with phenylalanine, which is neutral and non-polar, at codon 144 of the ZNF143 protein (p.Tyr144Phe). This variant is present in population databases (rs150318995, gnomAD 0.01%). This variant has not been reported in the literature in individuals affected with ZNF143-related conditions. ClinVar contains an entry for this variant (Variation ID: 1481124). An algorithm developed to predict the effect of missense changes on protein structure and function (PolyPhen-2) suggests that this variant is likely to be disruptive. In summary, the available evidence is currently insufficient to determine the role of this variant in disease. Therefore, it has been classified as a Variant of Uncertain Significance.